The following is an entry in ClinVar:

NM_000478.6(ALPL):c.46A>G (p.Asn16Asp)

Gene: ALPL (alkaline phosphatase, biomineralization associated; plus strand). Cytogenetic location: 1p36.12.
Variant type: single nucleotide variant.
Coding change: c.46A>G on transcript NM_000478.6 (MANE Select); coding-DNA position 46, A replaced by G.
Protein change: p.Asn16Asp; replaces asparagine 16 with aspartic acid.
Molecular consequence: missense variant. On other transcripts: intron variant (2).
Genome position (GRCh38, 1-based): chr1:21,554,127, A>G. VCF-style: chr1-21554127-A-G. GRCh37 (hg19) VCF-style: chr1-21880620-A-G.
Other names: c.46A>G, p.Asn16Asp (NM_001369803.2, NM_001369804.2, NM_001369805.2); c.-104-6499A>G (NM_001127501.4); c.-54-6499A>G (NM_001177520.3); short protein forms N16D.
Identifiers: ClinVar variation 4055902 (VCV004055902.1).

ClinVar aggregate classification (germline): Uncertain significance (1 of 4 stars; one submission).

Submission:

GeneDx
Classification: Uncertain significance. Last evaluated: 2025-01-03. Review status: criteria provided, single submitter. Criteria: GeneDx Variant Classification Process June 2021. Collection method: clinical testing. Allele origin: germline. Affected: yes.
Comment: Not observed at significant frequency in large population cohorts (gnomAD); In silico analysis indicates that this missense variant does not alter protein structure/function; Has not been previously published as pathogenic or benign to our knowledge